The following is an entry in ClinVar:

ClinVar aggregate classification (germline): Uncertain significance (1 of 4 stars; one submission).

Conditions:
Von Hippel-Lindau syndrome (VHLS). Also called: Von Hippel-Lindau; VHL syndrome; von Hippel–Lindau syndrome. Identifiers: Orphanet 892, MedGen C0019562, MONDO:0008667, OMIM 193300. Disease mechanism: loss of function.
Chuvash polycythemia. Also called: POLYCYTHEMIA, VHL-DEPENDENT. Identifiers: Orphanet 238557, MedGen C1837915, MONDO:0009892, OMIM 263400.

Submission:

Labcorp Genetics (formerly Invitae), Labcorp
Classification: Uncertain significance for Von Hippel-Lindau syndrome; Chuvash polycythemia. Last evaluated: 2021-11-08. Review status: criteria provided, single submitter. Criteria: Invitae Variant Classification Sherloc (09022015). Collection method: clinical testing. Allele origin: germline.
Comment: In summary, the available evidence is currently insufficient to determine the role of this variant in disease. Therefore, it has been classified as a Variant of Uncertain Significance. Advanced modeling of protein sequence and biophysical properties (such as structural, functional, and spatial information, amino acid conservation, physicochemical variation, residue mobility, and thermodynamic stability) performed at Invitae indicates that this missense variant is not expected to disrupt VHL protein function. This variant has not been reported in the literature in individuals affected with VHL-related conditions. This variant is not present in population databases (gnomAD no frequency). This sequence change replaces glutamic acid, which is acidic and polar, with lysine, which is basic and polar, at codon 17 of the VHL protein (p.Glu17Lys).

NM_000551.4(VHL):c.49G>A (p.Glu17Lys)

Gene: VHL (von Hippel-Lindau tumor suppressor; plus strand). Cytogenetic location: 3p25.3.
Variant type: single nucleotide variant.
Coding change: c.49G>A on transcript NM_000551.4 (MANE Select); coding-DNA position 49, G replaced by A.
Protein change: p.Glu17Lys; replaces glutamic acid 17 with lysine.
Molecular consequence: missense variant.
Genome position (GRCh38, 1-based): chr3:10,141,896, G>A. VCF-style: chr3-10141896-G-A. GRCh37 (hg19) VCF-style: chr3-10183580-G-A.
Other names: c.49G>A, p.Glu17Lys (NM_001354723.2, NM_198156.3); short protein forms E17K.
Identifiers: ClinVar variation 1350346 (VCV001350346.6), dbSNP rs1028898216, ClinGen allele CA351747236.